The following is an entry in ClinVar:

NM_170707.4(LMNA):c.*749G>A

Gene: LMNA (lamin A/C; plus strand). Cytogenetic location: 1q22.
Variant type: single nucleotide variant.
Coding change: c.*749G>A on transcript NM_170707.4 (MANE Select); 749 bases downstream of the stop codon, G replaced by A.
Molecular consequence: 3 prime UTR variant.
Genome position (GRCh38, 1-based): chr1:156,139,855, G>A. VCF-style: chr1-156139855-G-A. GRCh37 (hg19) VCF-style: chr1-156109646-G-A.
Other names: c.*16G>A (NM_001257374.3); c.*749G>A (NM_001282626.2, NM_170708.4).
Identifiers: ClinVar variation 382655 (VCV000382655.1), dbSNP rs1057521412, ClinGen allele CA16603453.

ClinVar aggregate classification (germline): Likely benign (1 of 4 stars; one submission).

Allele frequency attached by ClinVar (database versions not stated): gnomAD exomes below 0.00001.
gnomAD v4.1: 3 of 1,507,426 alleles (0.0002%); highest among the groups gnomAD compares: Non-Finnish European, 0.00026%; no homozygotes.

Submission:

GeneDx
Classification: Likely benign. Last evaluated: 2016-01-06. Review status: criteria provided, single submitter. Criteria: GeneDx Variant Classification (06012015). Collection method: clinical testing. Allele origin: germline. Affected: yes.
Comment: This variant is considered likely benign or benign based on one or more of the following criteria: it is a conservative change, it occurs at a poorly conserved position in the protein, it is predicted to be benign by multiple in silico algorithms, and/or has population frequency not consistent with disease.